The following is an entry in ClinVar:

ClinVar aggregate classification (germline): Conflicting classifications of pathogenicity. Review status: criteria provided, conflicting classifications (1 of 4 stars). 3 submissions from 3 submitters: Uncertain significance (2); Benign (1). Last evaluated 2025-09-15.

Conditions:
Inborn genetic diseases. Identifiers: MedGen C0950123, MeSH D030342.

gnomAD v4.1: 2 of 1,611,876 alleles (0.00012%); highest among the groups gnomAD compares: African/African-American, 0.0027%; no homozygotes.

Submissions (3):

Labcorp Genetics (formerly Invitae), Labcorp
Classification: Benign. Last evaluated: 2025-09-15. Review status: criteria provided, single submitter. Criteria: Invitae Variant Classification Sherloc (09022015). Collection method: clinical testing. Allele origin: germline.

Ambry Genetics
Classification: Uncertain significance for Inborn genetic diseases. Last evaluated: 2025-08-22. Review status: criteria provided, single submitter. Criteria: Ambry Variant Classification Scheme 2023. Collection method: clinical testing. Allele origin: germline.

GeneDx
Classification: Uncertain significance. Last evaluated: 2024-11-26. Review status: criteria provided, single submitter. Criteria: GeneDx Variant Classification Process June 2021. Collection method: clinical testing. Allele origin: germline. Affected: yes.
Comment: Not observed at significant frequency in large population cohorts (gnomAD); In silico analysis indicates that this missense variant does not alter protein structure/function; Has not been previously published as pathogenic or benign to our knowledge

NM_014727.3(KMT2B):c.2168G>A (p.Gly723Glu)

Gene: KMT2B (lysine methyltransferase 2B; plus strand). Cytogenetic location: 19q13.12.
Variant type: single nucleotide variant.
Coding change: c.2168G>A on transcript NM_014727.3 (MANE Select); coding-DNA position 2168, G replaced by A.
Protein change: p.Gly723Glu; replaces glycine 723 with glutamic acid.
Molecular consequence: missense variant.
Genome position (GRCh38, 1-based): chr19:35,721,515, G>A. VCF-style: chr19-35721515-G-A. GRCh37 (hg19) VCF-style: chr19-36212417-G-A.
Other names: c.2168G>A (NM_014727.1); short protein forms G723E.
Identifiers: ClinVar variation 3900185 (VCV003900185.3).